The following is an entry in ClinVar:

NM_001349206.2(LPIN1):c.1208C>G (p.Pro403Arg)

Gene: LPIN1 (lipin 1; plus strand). Cytogenetic location: 2p25.1.
Variant type: single nucleotide variant.
Coding change: c.1208C>G on transcript NM_001349206.2 (MANE Select); coding-DNA position 1208, C replaced by G.
Protein change: p.Pro403Arg; replaces proline 403 with arginine.
Molecular consequence: missense variant. On other transcripts: non-coding transcript variant (1).
Genome position (GRCh38, 1-based): chr2:11,782,451, C>G. VCF-style: chr2-11782451-C-G. GRCh37 (hg19) VCF-style: chr2-11922577-C-G.
Other names: c.1100C>G (NM_145693.1); c.1118C>G, p.Pro373Arg (NM_001261427.3); c.1355C>G, p.Pro452Arg (NM_001261428.3); c.1100C>G, p.Pro367Arg (NM_001349199.2, NM_001349200.2, NM_001349201.2 and 1 more transcripts); c.1205C>G, p.Pro402Arg (NM_001349202.2, NM_001349203.2); c.1208C>G, p.Pro403Arg (NM_001349204.2, NM_001349205.2); c.1298C>G, p.Pro433Arg (NM_001349207.2); c.1247C>G, p.Pro416Arg (NM_001349208.2); short protein forms P373R, P433R, P403R, P416R, P367R, P402R, P452R.
Identifiers: ClinVar variation 1475673 (VCV001475673.6), dbSNP rs185471985, ClinGen allele CA1533628.

ClinVar aggregate classification (germline): Uncertain significance. Review status: criteria provided, multiple submitters, no conflicts (2 of 4 stars). 3 submissions from 3 submitters: Uncertain significance (3). Last evaluated 2023-12-22.

Conditions:
Inborn genetic diseases. Identifiers: MedGen C0950123, MeSH D030342.
Myoglobinuria, acute recurrent, autosomal recessive. Also called: Myoglobinuria, recurrent, autosomal recessive; MYOGLOBINURIA, FAMILIAL PAROXYSMAL PARALYTIC; RHABDOMYOLYSIS, ACUTE RECURRENT. Identifiers: Orphanet 99845, MedGen C1849386, MONDO:0009992, OMIM 268200.

Allele frequency attached by ClinVar (database versions not stated): gnomAD 0.00002 and 0.00003; gnomAD exomes 0.00002; TOPMed 0.00010; 1000 Genomes Project 0.00020; 1000 Genomes Project 30x 0.00031.
gnomAD v4.1: 27 of 1,614,156 alleles (0.0017%); highest among the groups gnomAD compares: East Asian, 0.051%; no homozygotes.

Submissions (3):

Fulgent Genetics
Classification: Uncertain significance for Myoglobinuria, acute recurrent, autosomal recessive. Last evaluated: 2023-12-22. Review status: criteria provided, single submitter. Criteria: ACMG Guidelines, 2015. Collection method: clinical testing. Allele origin: germline.

Labcorp Genetics (formerly Invitae), Labcorp
Classification: Uncertain significance. Last evaluated: 2021-12-15. Review status: criteria provided, single submitter. Criteria: Invitae Variant Classification Sherloc (09022015). Collection method: clinical testing. Allele origin: germline.
Comment: This sequence change replaces proline, which is neutral and non-polar, with arginine, which is basic and polar, at codon 367 of the LPIN1 protein (p.Pro367Arg). This variant is present in population databases (rs185471985, gnomAD 0.1%). This variant has not been reported in the literature in individuals affected with LPIN1-related conditions. Algorithms developed to predict the effect of missense changes on protein structure and function (SIFT, PolyPhen-2, Align-GVGD) all suggest that this variant is likely to be tolerated. In summary, the available evidence is currently insufficient to determine the role of this variant in disease. Therefore, it has been classified as a Variant of Uncertain Significance.

Ambry Genetics
Classification: Uncertain significance for Inborn genetic diseases. Last evaluated: 2021-08-12. Review status: criteria provided, single submitter. Criteria: Ambry Variant Classification Scheme 2023. Collection method: clinical testing. Allele origin: germline.